The following is an entry in ClinVar:

ClinVar aggregate classification (germline): Uncertain significance. Review status: criteria provided, multiple submitters, no conflicts (2 of 4 stars). 2 submissions from 2 submitters: Uncertain significance (2). Last evaluated 2026-04-20.

Conditions:
Hereditary cancer-predisposing syndrome. Also called: Tumor predisposition; Neoplastic Syndromes, Hereditary; Hereditary Cancer Syndrome; Hereditary neoplastic syndrome. Identifiers: Orphanet 140162, MedGen C0027672, MeSH D009386, MONDO:0015356.

Submissions (2):

Ambry Genetics
Classification: Uncertain significance for Hereditary cancer-predisposing syndrome. Last evaluated: 2026-04-20. Review status: criteria provided, single submitter. Criteria: Ambry Variant Classification Scheme 2023. Collection method: clinical testing. Allele origin: germline.
Comment: The p.K279N variant (also known as c.837G>C), located in coding exon 2 of the HOXB13 gene, results from a G to C substitution at nucleotide position 837. The lysine at codon 279 is replaced by asparagine, an amino acid with similar properties. This amino acid position is conserved. In addition, the in silico prediction for this alteration is inconclusive. Based on the available evidence, the clinical significance of this variant remains unclear.

Labcorp Genetics (formerly Invitae), Labcorp
Classification: Uncertain significance. Last evaluated: 2021-01-05. Review status: criteria provided, single submitter. Criteria: Invitae Variant Classification Sherloc (09022015). Collection method: clinical testing. Allele origin: germline.
Comment: This variant has not been reported in the literature in individuals with HOXB13-related conditions. This variant is not present in population databases (ExAC no frequency). This sequence change replaces lysine with asparagine at codon 279 of the HOXB13 protein (p.Lys279Asn). The lysine residue is moderately conserved and there is a moderate physicochemical difference between lysine and asparagine. Algorithms developed to predict the effect of missense changes on protein structure and function (SIFT, PolyPhen-2, Align-GVGD) all suggest that this variant is likely to be tolerated, but these predictions have not been confirmed by published functional studies and their clinical significance is uncertain. In summary, the available evidence is currently insufficient to determine the role of this variant in disease. Therefore, it has been classified as a Variant of Uncertain Significance.

NM_006361.6(HOXB13):c.837G>C (p.Lys279Asn)

Gene: HOXB13 (homeobox B13; minus strand). Cytogenetic location: 17q21.32.
Variant type: single nucleotide variant.
Coding change: c.837G>C on transcript NM_006361.6 (MANE Select); coding-DNA position 837, G replaced by C.
Protein change: p.Lys279Asn; replaces lysine 279 with asparagine.
Molecular consequence: missense variant.
Genome position (GRCh38, 1-based): chr17:48,726,808, C>G on the plus strand (G>C on the coding strand, the complement: HOXB13 is on the minus strand). VCF-style: chr17-48726808-C-G. GRCh37 (hg19) VCF-style: chr17-46804170-C-G.
Other names: c.837G>C (NM_006361.5); short protein forms K279N.
Identifiers: ClinVar variation 1423625 (VCV001423625.9), dbSNP rs1597932409, ClinGen allele CA400105273.